The following is an entry in ClinVar:

ClinVar aggregate classification (germline): Likely benign (1 of 4 stars; one submission).

Allele frequency attached by ClinVar (database versions not stated): TOPMed 0.00002.
gnomAD v4.1: 34 of 1,612,504 alleles (0.0021%); highest among the groups gnomAD compares: Non-Finnish European, 0.0029%; 1 homozygote.

Submission:

CeGaT Center for Human Genetics Tuebingen
Classification: Likely benign. Last evaluated: 2023-11-01. Review status: criteria provided, single submitter. Criteria: CeGaT Center For Human Genetics Tuebingen Variant Classification Criteria Version 2. Collection method: clinical testing. Allele origin: germline. Affected: yes. Observed: 1 variant allele.
Comment: CHD1: BP4, BP7

NM_001270.4(CHD1):c.4182G>A (p.Thr1394=)

Gene: CHD1 (chromodomain helicase DNA binding protein 1; minus strand). Cytogenetic location: 5q15.
Variant type: single nucleotide variant.
Coding change: c.4182G>A on transcript NM_001270.4 (MANE Select); coding-DNA position 4182, G replaced by A.
Protein change: p.Thr1394=; no amino-acid change (threonine 1394 retained).
Molecular consequence: synonymous variant. On other transcripts: non-coding transcript variant (2).
Genome position (GRCh38, 1-based): chr5:98,868,561, C>T on the plus strand (G>A on the coding strand, the complement: CHD1 is on the minus strand). VCF-style: chr5-98868561-C-T. GRCh37 (hg19) VCF-style: chr5-98204265-C-T.
Other names: c.4446G>A, p.Thr1482= (NM_001364113.3); c.4182G>A, p.Thr1394= (NM_001376194.2).
Identifiers: ClinVar variation 2673017 (VCV002673017.23), dbSNP rs543223597, ClinGen allele CA3355749.